The following is an entry in ClinVar:

ClinVar aggregate classification (germline): Uncertain significance (1 of 4 stars; one submission).

Conditions:
Primary ciliary dyskinesia. Also called: Ciliary dyskinesia. Identifiers: Orphanet 244, MedGen C0008780, MONDO:0016575, HP:0012265.

Allele frequency attached by ClinVar (database versions not stated): gnomAD exomes below 0.00001.

Submission:

Labcorp Genetics (formerly Invitae), Labcorp
Classification: Uncertain significance for Primary ciliary dyskinesia. Last evaluated: 2025-01-23. Review status: criteria provided, single submitter. Criteria: Invitae Variant Classification Sherloc (09022015). Collection method: clinical testing. Allele origin: germline.
Comment: This sequence change replaces isoleucine, which is neutral and non-polar, with threonine, which is neutral and polar, at codon 798 of the DNAAF2 protein (p.Ile798Thr). This variant is not present in population databases (gnomAD no frequency). This variant has not been reported in the literature in individuals affected with DNAAF2-related conditions. ClinVar contains an entry for this variant (Variation ID: 1038111). Invitae Evidence Modeling of protein sequence and biophysical properties (such as structural, functional, and spatial information, amino acid conservation, physicochemical variation, residue mobility, and thermodynamic stability) indicates that this missense variant is not expected to disrupt DNAAF2 protein function with a negative predictive value of 80%. In summary, the available evidence is currently insufficient to determine the role of this variant in disease. Therefore, it has been classified as a Variant of Uncertain Significance.

NM_018139.3(DNAAF2):c.2393T>C (p.Ile798Thr)

Gene: DNAAF2 (dynein axonemal assembly factor 2; minus strand). Cytogenetic location: 14q21.3.
Variant type: single nucleotide variant.
Coding change: c.2393T>C on transcript NM_018139.3 (MANE Select); coding-DNA position 2393, T replaced by C.
Protein change: p.Ile798Thr; replaces isoleucine 798 with threonine.
Molecular consequence: missense variant.
Genome position (GRCh38, 1-based): chr14:49,625,663, A>G on the plus strand (T>C on the coding strand, the complement: DNAAF2 is on the minus strand). VCF-style: chr14-49625663-A-G. GRCh37 (hg19) VCF-style: chr14-50092381-A-G.
Other names: c.2249T>C, p.Ile750Thr (NM_001083908.2); c.182T>C, p.Ile61Thr (NM_001378453.1); short protein forms I750T, I61T, I798T.
Identifiers: ClinVar variation 1038111 (VCV001038111.9), dbSNP rs1882983539, ClinGen allele CA389622975.